The following is an entry in ClinVar:

NM_003998.4(NFKB1):c.1500C>A (p.Asn500Lys)

Gene: NFKB1 (nuclear factor kappa B subunit 1; plus strand). Cytogenetic location: 4q24.
Variant type: single nucleotide variant.
Coding change: c.1500C>A on transcript NM_003998.4 (MANE Select); coding-DNA position 1500, C replaced by A.
Protein change: p.Asn500Lys; replaces asparagine 500 with lysine.
Molecular consequence: missense variant.
Genome position (GRCh38, 1-based): chr4:102,597,524, C>A. VCF-style: chr4-102597524-C-A. GRCh37 (hg19) VCF-style: chr4-103518681-C-A.
Other names: c.1497C>A, p.Asn499Lys (NM_001165412.2, NM_001319226.2, NM_001382627.1); c.1500C>A, p.Asn500Lys (NM_001382625.1, NM_001382626.1); c.1458C>A, p.Asn486Lys (NM_001382628.1); c.1500C>A (NM_003998.3); short protein forms N486K, N499K, N500K.
Identifiers: ClinVar variation 1140588 (VCV001140588.11), dbSNP rs201395077, ClinGen allele CA3026189.

ClinVar aggregate classification (germline): Conflicting classifications of pathogenicity. Review status: criteria provided, conflicting classifications (1 of 4 stars). 4 submissions from 4 submitters: Uncertain significance (2); Likely benign (2). Last evaluated 2026-01-06.

Conditions:
Inborn genetic diseases. Identifiers: MedGen C0950123, MeSH D030342.
Immunodeficiency, common variable, 12 (CVID12). Also called: IMMUNODEFICIENCY, COMMON VARIABLE, 12, WITH AUTOIMMUNITY; NFKB1 DEFICIENCY. Identifiers: Orphanet 1572, Orphanet 696874, MedGen C4225277, MONDO:0014697, OMIM 616576.

Allele frequency attached by ClinVar (database versions not stated): gnomAD exomes 0.00005 and 0.00015; gnomAD 0.00006 and 0.00007; ESP Exome Variant Server 0.00008; ExAC 0.00010; TOPMed 0.00010; 1000 Genomes Project 0.00020; 1000 Genomes Project 30x 0.00031.
gnomAD v4.1: 76 of 1,610,356 alleles (0.0047%); highest among the groups gnomAD compares: Admixed American, 0.08%; no homozygotes.

Submissions (4):

Labcorp Genetics (formerly Invitae), Labcorp
Classification: Likely benign. Last evaluated: 2026-01-06. Review status: criteria provided, single submitter. Criteria: Invitae Variant Classification Sherloc (09022015). Collection method: clinical testing. Allele origin: germline.

Blueprint Genetics
Classification: Likely benign. Last evaluated: 2024-08-28. Review status: criteria provided, single submitter. Criteria: ACMG Guidelines, 2015. Collection method: clinical testing. Allele origin: germline.

ARUP Laboratories, Molecular Genetics and Genomics, ARUP Laboratories
Classification: Uncertain significance for Immunodeficiency, common variable, 12. Last evaluated: 2024-06-10. Review status: criteria provided, single submitter. Criteria: ARUP Molecular Germline Variant Investigation Process 2024. Collection method: clinical testing. Allele origin: germline.
Comment: The NFKB1 c.1500C>A; p.Asn500Lys variant (rs201395077), to our knowledge, is not reported in the medical literature but is reported in ClinVar (Variation ID: 1140588). This variant is found in the Admixed American population with an allele frequency of 0.09% (31/33,762 alleles) in the Genome Aggregation Database (v2.1.1). Computational analyses predict that this variant is neutral (REVEL: 0.064). While the high population frequency suggests that this is likely a benign variant, given the lack of clinical and functional data, the significance of this variant is uncertain at this time.

Ambry Genetics
Classification: Uncertain significance for Inborn genetic diseases. Last evaluated: 2021-08-12. Review status: criteria provided, single submitter. Criteria: Ambry Variant Classification Scheme 2023. Collection method: clinical testing. Allele origin: germline.